The following is an entry in ClinVar:

ClinVar aggregate classification (germline): Uncertain significance (1 of 4 stars; one submission).

Allele frequency attached by ClinVar (database versions not stated): ExAC 0.00001; gnomAD exomes 0.00001.
gnomAD v4.1: 2 of 1,611,956 alleles (0.00012%); highest among the groups gnomAD compares: East Asian, 0.0022%; no homozygotes.

Submission:

Labcorp Genetics (formerly Invitae), Labcorp
Classification: Uncertain significance. Last evaluated: 2024-09-28. Review status: criteria provided, single submitter. Criteria: Invitae Variant Classification Sherloc (09022015). Collection method: clinical testing. Allele origin: germline.
Comment: This sequence change replaces methionine, which is neutral and non-polar, with isoleucine, which is neutral and non-polar, at codon 631 of the TNNI3K protein (p.Met631Ile). This variant is present in population databases (rs748679301, gnomAD 0.01%). This variant has not been reported in the literature in individuals affected with TNNI3K-related conditions. ClinVar contains an entry for this variant (Variation ID: 1522545). An algorithm developed to predict the effect of missense changes on protein structure and function (PolyPhen-2) suggests that this variant is likely to be disruptive. In summary, the available evidence is currently insufficient to determine the role of this variant in disease. Therefore, it has been classified as a Variant of Uncertain Significance.

NM_015978.3(TNNI3K):c.1893G>C (p.Met631Ile)

Genes: FPGT-TNNI3K (FPGT-TNNI3K readthrough; plus strand), TNNI3K (TNNI3 interacting kinase; plus strand). Cytogenetic location: 1p31.1.
Variant type: single nucleotide variant.
Coding change: c.1893G>C on transcript NM_015978.3 (MANE Select); coding-DNA position 1893, G replaced by C.
Protein change: p.Met631Ile; replaces methionine 631 with isoleucine.
Molecular consequence: missense variant.
Genome position (GRCh38, 1-based): chr1:74,439,504, G>C. VCF-style: chr1-74439504-G-C. GRCh37 (hg19) VCF-style: chr1-74905188-G-C.
Other names: c.2196G>C, p.Met732Ile (NM_001112808.3, NM_001199327.2); short protein forms M732I, M631I.
Identifiers: ClinVar variation 1522545 (VCV001522545.8), dbSNP rs748679301, ClinGen allele CA909506.